The following is an entry in ClinVar:

ClinVar aggregate classification (germline): Benign. Review status: criteria provided, multiple submitters, no conflicts (2 of 4 stars). 2 submissions from 2 submitters: Benign (2). Last evaluated 2018-01-13.

Conditions:
Parietal foramina 2 (PFM2). Identifiers: Orphanet 60015, MedGen C1865044, MONDO:0012309, OMIM 609597.

Allele frequency attached by ClinVar (database versions not stated): gnomAD 0.08488; TOPMed 0.09394; gnomAD exomes 0.10000; 1000 Genomes Project 30x 0.13632; 1000 Genomes Project 0.13918.
gnomAD v4.1: 13,677 of 152,256 alleles (9%); highest among the groups gnomAD compares: East Asian, 32%; 785 homozygotes.

Submissions (2):

Illumina Laboratory Services, Illumina
Classification: Benign for Parietal foramina 2. Last evaluated: 2018-01-13. Review status: criteria provided, single submitter. Criteria: ICSL Variant Classification Criteria 13 December 2019. Collection method: clinical testing. Allele origin: germline.
Comment: This variant was observed in the ICSL laboratory as part of a predisposition screen in an ostensibly healthy population. It had not been previously curated by ICSL or reported in the Human Gene Mutation Database (HGMD: prior to June 1st, 2018), and was therefore a candidate for classification through an automated scoring system. Utilizing variant allele frequency, disease prevalence and penetrance estimates, and inheritance mode, an automated score was calculated to assess if this variant is too frequent to cause the disease. Based on the score and internal cut-off values, a variant classified as benign is not then subjected to further curation. The score for this variant resulted in a classification of benign for this disease.

Breakthrough Genomics
Classification: Benign. Review status: criteria provided, single submitter. Criteria: ACMG Guidelines, 2015. Collection method: not provided. Allele origin: germline. Inheritance: Autosomal recessive inheritance. Affected: yes.

NM_021926.4(ALX4):c.*1699G>T

Gene: ALX4 (ALX homeobox 4; minus strand). Cytogenetic location: 11p11.2.
Variant type: single nucleotide variant.
Coding change: c.*1699G>T on transcript NM_021926.4 (MANE Select); 1699 bases downstream of the stop codon, G replaced by T.
Molecular consequence: 3 prime UTR variant.
Genome position (GRCh38, 1-based): chr11:44,263,155, C>A on the plus strand (G>T on the coding strand, the complement: ALX4 is on the minus strand). VCF-style: chr11-44263155-C-A. GRCh37 (hg19) VCF-style: chr11-44284705-C-A.
Other names: c.*1699G>T (LRG_1256t1).
Identifiers: ClinVar variation 304652 (VCV000304652.6), dbSNP rs7942612, ClinGen allele CA10630881.